The following is an entry in ClinVar:

NM_144997.7(FLCN):c.1621G>A (p.Ala541Thr)

Gene: FLCN (folliculin; minus strand). Cytogenetic location: 17p11.2.
Variant type: single nucleotide variant.
Coding change: c.1621G>A on transcript NM_144997.7 (MANE Select); coding-DNA position 1621, G replaced by A.
Protein change: p.Ala541Thr; replaces alanine 541 with threonine.
Molecular consequence: missense variant.
Genome position (GRCh38, 1-based): chr17:17,213,774, C>T on the plus strand (G>A on the coding strand, the complement: FLCN is on the minus strand). VCF-style: chr17-17213774-C-T. GRCh37 (hg19) VCF-style: chr17-17117088-C-T.
Other names: c.1675G>A, p.Ala559Thr (NM_001353229.2); c.1621G>A, p.Ala541Thr (NM_001353230.2, NM_001353231.2); short protein forms A541T, A559T.
Identifiers: ClinVar variation 1776619 (VCV001776619.8), dbSNP rs752108683, ClinGen allele CA8415928.

ClinVar aggregate classification (germline): Uncertain significance. Review status: criteria provided, multiple submitters, no conflicts (2 of 4 stars). 3 submissions from 3 submitters: Uncertain significance (3). Last evaluated 2024-08-31.

Conditions:
Birt-Hogg-Dube syndrome. Also called: Birt Hogg Dubé syndrome. Identifiers: Orphanet 122, MedGen C0346010, MONDO:0800444.
Hereditary cancer-predisposing syndrome. Also called: Tumor predisposition; Neoplastic Syndromes, Hereditary; Hereditary Cancer Syndrome; Hereditary neoplastic syndrome. Identifiers: Orphanet 140162, MedGen C0027672, MeSH D009386, MONDO:0015356.
Exstrophy-epispadias complex. Also called: OMPHALOCELE-EXSTROPHY-IMPERFORATE ANUS-SPINAL DEFECTS; OEIS complex. Identifiers: Orphanet 322, Orphanet 93929, MedGen C1850321, MONDO:0017919, OMIM 258040.

Allele frequency attached by ClinVar (database versions not stated): gnomAD exomes below 0.00001; ExAC 0.00001.

Submissions (3):

Labcorp Genetics (formerly Invitae), Labcorp
Classification: Uncertain significance for Birt-Hogg-Dube syndrome. Last evaluated: 2024-08-31. Review status: criteria provided, single submitter. Criteria: Invitae Variant Classification Sherloc (09022015). Collection method: clinical testing. Allele origin: germline.
Comment: This sequence change replaces alanine, which is neutral and non-polar, with threonine, which is neutral and polar, at codon 541 of the FLCN protein (p.Ala541Thr). This variant is present in population databases (rs752108683, gnomAD 0.003%). This variant has not been reported in the literature in individuals affected with FLCN-related conditions. ClinVar contains an entry for this variant (Variation ID: 1776619). Invitae Evidence Modeling of protein sequence and biophysical properties (such as structural, functional, and spatial information, amino acid conservation, physicochemical variation, residue mobility, and thermodynamic stability) indicates that this missense variant is not expected to disrupt FLCN protein function with a negative predictive value of 80%. In summary, the available evidence is currently insufficient to determine the role of this variant in disease. Therefore, it has been classified as a Variant of Uncertain Significance.

Ambry Genetics
Classification: Uncertain significance for Hereditary cancer-predisposing syndrome. Last evaluated: 2021-07-08. Review status: criteria provided, single submitter. Criteria: Ambry Variant Classification Scheme 2023. Collection method: clinical testing. Allele origin: germline.
Comment: The p.A541T variant (also known as c.1621G>A), located in coding exon 11 of the FLCN gene, results from a G to A substitution at nucleotide position 1621. The alanine at codon 541 is replaced by threonine, an amino acid with similar properties. This amino acid position is highly conserved in available vertebrate species. In addition, the in silico prediction for this alteration is inconclusive. Since supporting evidence is limited at this time, the clinical significance of this alteration remains unclear.

Obstetrics and Gynecology Department, Johns Hopkins School Of Medicine
Classification: Uncertain significance for Exstrophy-epispadias complex. Review status: criteria provided, single submitter. Criteria: ACMG Guidelines, 2015. Collection method: curation. Allele origin: de novo. Affected: yes.